The following is an entry in ClinVar:

NM_001008212.2(OPTN):c.475G>C (p.Gly159Arg)

Gene: OPTN (optineurin; plus strand). Cytogenetic location: 10p13.
Variant type: single nucleotide variant.
Coding change: c.475G>C on transcript NM_001008212.2 (MANE Select); coding-DNA position 475, G replaced by C.
Protein change: p.Gly159Arg; replaces glycine 159 with arginine.
Molecular consequence: missense variant.
Genome position (GRCh38, 1-based): chr10:13,112,558, G>C. VCF-style: chr10-13112558-G-C. GRCh37 (hg19) VCF-style: chr10-13154558-G-C.
Other names: c.475G>C, p.Gly159Arg (NM_001008211.1, NM_001008213.1, NM_021980.4); short protein forms G159R.
Identifiers: ClinVar variation 3749168 (VCV003749168.2).

ClinVar aggregate classification (germline): Uncertain significance (1 of 4 stars; one submission).

Conditions:
Primary open angle glaucoma (POAG). Also called: OPTN-related open angle glaucoma. Identifiers: MedGen C0339573, MONDO:0100553, OMIM 137760.
Glaucoma 1, open angle, E. Identifiers: MedGen C1842026, MONDO:0007665.
Amyotrophic lateral sclerosis type 12 (ALS12). Also called: AMYOTROPHIC LATERAL SCLEROSIS 12 WITH OR WITHOUT FRONTOTEMPORAL DEMENTIA. Identifiers: Orphanet 803, MedGen C3150692, MONDO:0013264, OMIM 613435.

Submission:

Labcorp Genetics (formerly Invitae), Labcorp
Classification: Uncertain significance for Primary open angle glaucoma; Glaucoma 1, open angle, E; Amyotrophic lateral sclerosis type 12. Last evaluated: 2024-04-05. Review status: criteria provided, single submitter. Criteria: Invitae Variant Classification Sherloc (09022015). Collection method: clinical testing. Allele origin: germline.
Comment: This sequence change replaces glycine, which is neutral and non-polar, with arginine, which is basic and polar, at codon 159 of the OPTN protein (p.Gly159Arg). This variant is not present in population databases (gnomAD no frequency). This variant has not been reported in the literature in individuals affected with OPTN-related conditions. Advanced modeling of protein sequence and biophysical properties (such as structural, functional, and spatial information, amino acid conservation, physicochemical variation, residue mobility, and thermodynamic stability) performed at Invitae indicates that this missense variant is not expected to disrupt OPTN protein function with a negative predictive value of 80%. In summary, the available evidence is currently insufficient to determine the role of this variant in disease. Therefore, it has been classified as a Variant of Uncertain Significance.